The following is an entry in ClinVar:

NM_004484.4(GPC3):c.1413G>A (p.Gln471=)

Gene: GPC3 (glypican 3; minus strand). Cytogenetic location: Xq26.2.
Variant type: single nucleotide variant.
Coding change: c.1413G>A on transcript NM_004484.4 (MANE Select); coding-DNA position 1413, G replaced by A.
Protein change: p.Gln471=; no amino-acid change (glutamine 471 retained).
Molecular consequence: synonymous variant.
Genome position (GRCh38, 1-based): chrX:133,661,730, C>T on the plus strand (G>A on the coding strand, the complement: GPC3 is on the minus strand). VCF-style: chrX-133661730-C-T. GRCh37 (hg19) VCF-style: chrX-132795758-C-T.
Other names: c.1482G>A, p.Gln494= (NM_001164617.2); c.1365G>A, p.Gln455= (NM_001164618.2); c.1251G>A, p.Gln417= (NM_001164619.2).
Identifiers: ClinVar variation 1970768 (VCV001970768.5), dbSNP rs2521015558, ClinGen allele CA518635536.

ClinVar aggregate classification (germline): Uncertain significance (1 of 4 stars; one submission).

Conditions:
Wilms tumor 1 (WT1). Also called: Wilms tumor, somatic. Identifiers: Orphanet 654, MedGen CN033288, MONDO:0008679, OMIM 194070.

Allele frequency attached by ClinVar (database versions not stated): gnomAD exomes below 0.00001.
gnomAD v4.1: 3 of 1,129,306 alleles (0.00027%); highest among the groups gnomAD compares: Non-Finnish European, 0.00036%; no homozygotes.

Submission:

Labcorp Genetics (formerly Invitae), Labcorp
Classification: Uncertain significance for Wilms tumor 1. Last evaluated: 2022-10-13. Review status: criteria provided, single submitter. Criteria: Invitae Variant Classification Sherloc (09022015). Collection method: clinical testing. Allele origin: germline.
Comment: In summary, the available evidence is currently insufficient to determine the role of this variant in disease. Therefore, it has been classified as a Variant of Uncertain Significance. Variants that disrupt the consensus splice site are a relatively common cause of aberrant splicing (PMID: 17576681, 9536098). Algorithms developed to predict the effect of sequence changes on RNA splicing suggest that this variant is not likely to affect RNA splicing. This variant has not been reported in the literature in individuals affected with GPC3-related conditions. This variant is not present in population databases (gnomAD no frequency). This sequence change affects codon 471 of the GPC3 mRNA. It is a 'silent' change, meaning that it does not change the encoded amino acid sequence of the GPC3 protein. This variant also falls at the last nucleotide of exon 6, which is part of the consensus splice site for this exon.

Literature cited by the submitters: PubMed 17576681; PubMed 9536098.